The following is an entry in ClinVar:

ClinVar aggregate classification (germline): Uncertain significance (1 of 4 stars; one submission).

Conditions:
Progressive encephalopathy with leukodystrophy due to DECR deficiency. Identifiers: Orphanet 431361, MedGen C1857252, MONDO:0014464, OMIM 616034.

Submission:

Labcorp Genetics (formerly Invitae), Labcorp
Classification: Uncertain significance for Progressive encephalopathy with leukodystrophy due to DECR deficiency. Last evaluated: 2023-05-22. Review status: criteria provided, single submitter. Criteria: Invitae Variant Classification Sherloc (09022015). Collection method: clinical testing. Allele origin: germline.
Comment: This sequence change falls in intron 8 of the NADK2 gene. It does not directly change the encoded amino acid sequence of the NADK2 protein. This variant has not been reported in the literature in individuals affected with NADK2-related conditions. Experimental studies and prediction algorithms are not available or were not evaluated, and the effect of this variant on mRNA splicing is currently unknown. In summary, the available evidence is currently insufficient to determine the role of this variant in disease. Therefore, it has been classified as a Variant of Uncertain Significance.

NC_000005.9:g.(?_36206097)_(36207258_?)del

Gene: NADK2 (NAD kinase 2, mitochondrial; minus strand). Cytogenetic location: 5p13.2.
Variant type: Deletion.
Identifiers: ClinVar variation 1449889 (VCV001449889.5).